The following is an entry in ClinVar:

NM_001256071.3(RNF213):c.15421C>T (p.Leu5141=)

Genes: RNF213 (ring finger protein 213; plus strand), RNF213-AS1 (RNF213 antisense RNA 1; minus strand). Cytogenetic location: 17q25.3.
Variant type: single nucleotide variant.
Coding change: c.15421C>T on transcript NM_001256071.3 (MANE Select); coding-DNA position 15421, C replaced by T.
Protein change: p.Leu5141=; no amino-acid change (leucine 5141 retained).
Molecular consequence: synonymous variant.
Genome position (GRCh38, 1-based): chr17:80,390,147, C>T. VCF-style: chr17-80390147-C-T. GRCh37 (hg19) VCF-style: chr17-78363947-C-T.
Other names: c.15568C>T, p.Leu5190= (NM_001410195.1, NM_020914.5).
Identifiers: ClinVar variation 3905679 (VCV003905679.10).
Genomic context (GRCh38, chr17:80,390,147, plus strand): 5'-CTAAATCAGACTGGCCTAGACGCCTTCCTGCTAGAGCTGCACGAAATGATAATCTTGAAA[C>T]TAAAGAACCCCCAAACCCAAACCGAGGAGCGCTTCCGCCCTCAGTGGAGGTATGGATTTG-3'
Protein context (NP_001243000.2, residues 5131-5151): LELHEMIILK[Leu5141=]KNPQTQTEER

ClinVar aggregate classification (germline): Likely benign (1 of 4 stars; one submission).

gnomAD v4.1: 3 of 1,614,182 alleles (0.00019%); highest among the groups gnomAD compares: Non-Finnish European, 0.00017%; no homozygotes.

Submission:

CeGaT Center for Human Genetics Tuebingen
Classification: Likely benign. Last evaluated: 2025-04-01. Review status: criteria provided, single submitter. Criteria: CeGaT Center For Human Genetics Tuebingen Variant Classification Criteria Version 2. Collection method: clinical testing. Allele origin: germline. Affected: yes. Observed: 1 variant allele.
Comment: RNF213: BP4, BP7